The following is an entry in ClinVar:

NM_001267550.2(TTN):c.73391G>A (p.Arg24464Gln)

Genes: TTN (titin; minus strand), TTN-AS1 (TTN antisense RNA 1; plus strand). Cytogenetic location: 2q31.2.
Variant type: single nucleotide variant.
Coding change: c.73391G>A on transcript NM_001267550.2 (MANE Select); coding-DNA position 73391, G replaced by A.
Protein change: p.Arg24464Gln; replaces arginine 24464 with glutamine.
Molecular consequence: missense variant.
Genome position (GRCh38, 1-based): chr2:178,572,741, C>T on the plus strand (G>A on the coding strand, the complement: TTN is on the minus strand). VCF-style: chr2-178572741-C-T. GRCh37 (hg19) VCF-style: chr2-179437468-C-T.
Other names: c.68468G>A, p.Arg22823Gln (NM_001256850.1); c.46196G>A, p.Arg15399Gln (NM_003319.4); c.65687G>A, p.Arg21896Gln (NM_133378.4); c.46571G>A, p.Arg15524Gln (NM_133432.3); c.46772G>A, p.Arg15591Gln (NM_133437.4); short protein forms R15399Q, R15524Q, R22823Q, R15591Q, R21896Q, R24464Q.
Identifiers: ClinVar variation 691684 (VCV000691684.9), dbSNP rs750056949, ClinGen allele CA1990370.

ClinVar aggregate classification (germline): Conflicting classifications of pathogenicity. Review status: criteria provided, conflicting classifications (1 of 4 stars). 7 submissions from 7 submitters: Uncertain significance (6); Likely benign (1). Last evaluated 2026-02-04.

Conditions:
TTN-related disorder. Also called: TTN-related disorders; TTN-related condition; TTN-related disease.
Atrial fibrillation. Identifiers: MedGen C0004238, MONDO:0004981, HP:0005110.
Tibial muscular dystrophy (TMD). Also called: Tibial muscular dystrophy, tardive; Udd Distal Myopathy – Tibial Muscular Dystrophy; UDD MYOPATHY. Identifiers: Orphanet 609, MedGen C1838244, MONDO:0010870, OMIM 600334.
Cardiovascular phenotype. Identifiers: MedGen CN230736.

Allele frequency attached by ClinVar (database versions not stated): gnomAD exomes 0.00002; ExAC 0.00003; gnomAD 0.00005 and 0.00006; TOPMed 0.00006.
gnomAD v4.1: 33 of 1,613,332 alleles (0.002%); highest among the groups gnomAD compares: African/African-American, 0.011%; no homozygotes.

Submissions (7):

PreventionGenetics, part of Exact Sciences
Classification: Uncertain significance for TTN-related condition. Last evaluated: 2026-02-04. Review status: criteria provided, single submitter. Criteria: ACMG Guidelines, 2015. Collection method: clinical testing. Allele origin: germline.
Comment: The TTN c.73391G>A variant is predicted to result in the amino acid substitution p.Arg24464Gln. To our knowledge, this variant has not been reported in the literature. This variant is reported in 0.019% of alleles in individuals of African descent in gnomAD. At this time, the clinical significance of this variant is uncertain due to the absence of conclusive functional and genetic evidence.

Women's Health and Genetics/Laboratory Corporation of America, LabCorp
Classification: Uncertain significance. Last evaluated: 2025-11-04. Review status: criteria provided, single submitter. Criteria: LabCorp Variant Classification Summary - May 2015. Collection method: clinical testing. Allele origin: germline.

Baylor Genetics
Classification: Uncertain significance for Tibial muscular dystrophy. Last evaluated: 2024-03-12. Review status: criteria provided, single submitter. Criteria: ACMG Guidelines, 2015. Collection method: clinical testing. Allele origin: unknown.

Revvity Omics, Revvity
Classification: Uncertain significance. Last evaluated: 2023-02-07. Review status: criteria provided, single submitter. Criteria: ACMG Guidelines, 2015. Collection method: clinical testing. Allele origin: germline.

Blueprint Genetics
Classification: Likely benign. Last evaluated: 2021-09-24. Review status: criteria provided, single submitter. Criteria: ACMG Guidelines, 2015. Collection method: clinical testing. Allele origin: germline.

Ambry Genetics
Classification: Uncertain significance for Cardiovascular phenotype. Last evaluated: 2020-01-31. Review status: criteria provided, single submitter. Criteria: Ambry Variant Classification Scheme 2023. Collection method: clinical testing. Allele origin: germline.
Comment: The p.R15399Q variant (also known as c.46196G>A), located in coding exon 153 of the TTN gene, results from a G to A substitution at nucleotide position 46196. The arginine at codon 15399 is replaced by glutamine, an amino acid with highly similar properties. This amino acid position is highly conserved in available vertebrate species. In addition, this alteration is predicted to be tolerated by in silico analysis. Since supporting evidence is limited at this time, the clinical significance of this alteration remains unclear.

Center for Advanced Laboratory Medicine, UC San Diego Health, University of California San Diego
Classification: Uncertain significance for Atrial fibrillation. Last evaluated: 2017-03-15. Review status: criteria provided, single submitter. Criteria: ACMG Guidelines, 2015. Collection method: clinical testing. Allele origin: germline. Affected: yes. Observed: 1 variant allele.